The following is an entry in ClinVar:

NM_020435.4(GJC2):c.739_740delinsTC (p.Arg247Ser)

Gene: GJC2 (gap junction protein gamma 2; plus strand). Cytogenetic location: 1q42.13.
Variant type: Indel.
Coding change: c.739_740delinsTC on transcript NM_020435.4 (MANE Select); coding-DNA positions 739 to 740, CG replaced by TC.
Protein change: p.Arg247Ser; replaces arginine 247 with serine.
Molecular consequence: missense variant.
Genome position (GRCh38, 1-based): chr1:228,158,497-228,158,498, CG replaced by TC. VCF-style: chr1-228158497-CG-TC. GRCh37 (hg19) VCF-style: chr1-228346198-CG-TC.
Other names: short protein forms R247S.
Identifiers: ClinVar variation 373512 (VCV000373512.2), dbSNP rs1057518455, ClinGen allele CA16042340.
Genomic context (GRCh38, chr1:228,158,497, plus strand): 5'-TTCCTGGTGGGCCAGTACCTGCTGTACGGCTTCGAGGTGCGACCGTTCTTTCCCTGCAGC[CG>TC]CCAGCCCTGCCCGCACGTGGTGGACTGCTTCGTGTCGCGCCCTACTGAAAAGACGGTCTT-3'
Protein context (NP_065168.2, residues 237-257): FEVRPFFPCS[Arg247Ser]QPCPHVVDCF

ClinVar aggregate classification (germline): Uncertain significance (1 of 4 stars; one submission).

Submission:

GeneDx
Classification: Uncertain significance. Last evaluated: 2016-11-18. Review status: criteria provided, single submitter. Criteria: GeneDx Variant Classification (06012015). Collection method: clinical testing. Allele origin: germline. Affected: yes.
Comment: The c.739_740delCGinsTC variant has not been published as a pathogenic variant, nor has it been reported as a benign variant to our knowledge. The c.739_740delCGinsTC variant is caused by two nucleotide substitutions (c.739 C>T and c.740 G>C) on the same allele (in cis), resulting in an in-frame deletion of a single Arginine residue and the insertion of a single Serine residue at amino acid position 247, denoted R247S. The R247C variant is not observed in large population cohorts (Lek et al., 2016; 1000 Genomes Consortium et al., 2015; Exome Variant Server). The R247S variant is a semi-conservative amino acid substitution, which may impact secondary protein structure as these residues differ in some properties. This variant occurs at a position that is conserved mammals, and in silico analysis predicts this variant is probably damaging to the protein structure/function. Based on the currently available information, it is unclear whether this variant is a pathogenic variant or a rare benign variant.